The following is an entry in ClinVar:

NM_004385.5(VCAN):c.426G>A (p.Thr142=)

Gene: VCAN (versican; plus strand). Cytogenetic location: 5q14.2.
Variant type: single nucleotide variant.
Coding change: c.426G>A on transcript NM_004385.5 (MANE Select); coding-DNA position 426, G replaced by A.
Protein change: p.Thr142=; no amino-acid change (threonine 142 retained).
Molecular consequence: synonymous variant.
Genome position (GRCh38, 1-based): chr5:83,490,453, G>A. VCF-style: chr5-83490453-G-A. GRCh37 (hg19) VCF-style: chr5-82786272-G-A.
Other names: c.426G>A, p.Thr142= (NM_001126336.3, NM_001164097.2, NM_001164098.2).
Identifiers: ClinVar variation 354390 (VCV000354390.15), dbSNP rs35031282, ClinGen allele CA3332452.
Genomic context (GRCh38, chr5:83,490,453, plus strand): 5'-AAGTGATGCGGGTCTTTACCGCTGTGACGTCATGTACGGGATTGAAGACACACAAGACAC[G>A]GTGTCACTGACTGTGGATGGTAAGGCTTTTATTATCTGCAAGAAGGTAGTATAACATGAC-3'
Protein context (NP_004376.2, residues 132-152): VMYGIEDTQD[Thr142=]VSLTVDGVVF

ClinVar aggregate classification (germline): Benign. Review status: criteria provided, multiple submitters, no conflicts (2 of 4 stars). 2 submissions from 2 submitters: Benign (2). Last evaluated 2026-02-01.

Conditions:
Vitreoretinopathy. Also called: Vitreoretinal degeneration. Identifiers: MedGen C0344290, MONDO:0020248, HP:0007773.

Allele frequency attached by ClinVar (database versions not stated): gnomAD exomes 0.00163 and 0.00421; ExAC 0.00519; gnomAD 0.01693 and 0.01806; TOPMed 0.01871; ESP Exome Variant Server 0.01899; 1000 Genomes Project 0.02057; 1000 Genomes Project 30x 0.02389.
gnomAD v4.1: 5,072 of 1,614,020 alleles (0.31%); highest among the groups gnomAD compares: African/African-American, 5.8%; 127 homozygotes.

Submissions (2):

Labcorp Genetics (formerly Invitae), Labcorp
Classification: Benign. Last evaluated: 2026-02-01. Review status: criteria provided, single submitter. Criteria: Invitae Variant Classification Sherloc (09022015). Collection method: clinical testing. Allele origin: germline.

Illumina Laboratory Services, Illumina
Classification: Benign for Vitreoretinopathy. Last evaluated: 2018-01-13. Review status: criteria provided, single submitter. Criteria: ICSL Variant Classification Criteria 13 December 2019. Collection method: clinical testing. Allele origin: germline.
Comment: This variant was observed in the ICSL laboratory as part of a predisposition screen in an ostensibly healthy population. It had not been previously curated by ICSL or reported in the Human Gene Mutation Database (HGMD: prior to June 1st, 2018), and was therefore a candidate for classification through an automated scoring system. Utilizing variant allele frequency, disease prevalence and penetrance estimates, and inheritance mode, an automated score was calculated to assess if this variant is too frequent to cause the disease. Based on the score and internal cut-off values, a variant classified as benign is not then subjected to further curation. The score for this variant resulted in a classification of benign for this disease.